The following is an entry in ClinVar:

ClinVar aggregate classification (germline): Uncertain significance. Review status: criteria provided, multiple submitters, no conflicts (2 of 4 stars). 2 submissions from 2 submitters: Uncertain significance (2). Last evaluated 2023-12-06.

Conditions:
Inborn genetic diseases. Identifiers: MedGen C0950123, MeSH D030342.
Familial hemophagocytic lymphohistiocytosis 5. Also called: STXBP2-Related Familial Hemophagocytic Lymphohistiocytosis (STXBP2-fHLH). Identifiers: Orphanet 540, MedGen C2751293, MONDO:0013135, OMIM 613101.

Allele frequency attached by ClinVar (database versions not stated): TOPMed below 0.00001; gnomAD exomes 0.00001.
gnomAD v4.1: 4 of 1,613,426 alleles (0.00025%); highest among the groups gnomAD compares: Non-Finnish European, 0.00034%; no homozygotes.

Submissions (2):

Ambry Genetics
Classification: Uncertain significance for Inborn genetic diseases. Last evaluated: 2023-12-06. Review status: criteria provided, single submitter. Criteria: Ambry Variant Classification Scheme 2023. Collection method: clinical testing. Allele origin: germline.

Labcorp Genetics (formerly Invitae), Labcorp
Classification: Uncertain significance for Familial hemophagocytic lymphohistiocytosis 5. Last evaluated: 2022-08-08. Review status: criteria provided, single submitter. Criteria: Invitae Variant Classification Sherloc (09022015). Collection method: clinical testing. Allele origin: germline.
Comment: In summary, the available evidence is currently insufficient to determine the role of this variant in disease. Therefore, it has been classified as a Variant of Uncertain Significance. Algorithms developed to predict the effect of missense changes on protein structure and function are either unavailable or do not agree on the potential impact of this missense change (SIFT: "Tolerated"; PolyPhen-2: "Probably Damaging"; Align-GVGD: "Class C0"). This variant has not been reported in the literature in individuals affected with STXBP2-related conditions. This variant is not present in population databases (gnomAD no frequency). This sequence change replaces glutamic acid, which is acidic and polar, with glycine, which is neutral and non-polar, at codon 527 of the STXBP2 protein (p.Glu527Gly).

NM_006949.4(STXBP2):c.1580A>G (p.Glu527Gly)

Gene: STXBP2 (syntaxin binding protein 2; plus strand). Cytogenetic location: 19p13.2.
Variant type: single nucleotide variant.
Coding change: c.1580A>G on transcript NM_006949.4 (MANE Select); coding-DNA position 1580, A replaced by G.
Protein change: p.Glu527Gly; replaces glutamic acid 527 with glycine.
Molecular consequence: missense variant. On other transcripts: non-coding transcript variant (1).
Genome position (GRCh38, 1-based): chr19:7,647,395, A>G. VCF-style: chr19-7647395-A-G. GRCh37 (hg19) VCF-style: chr19-7712281-A-G.
Other names: c.1571A>G, p.Glu524Gly (NM_001127396.3); c.1613A>G, p.Glu538Gly (NM_001272034.2); c.1484A>G, p.Glu495Gly (NM_001414484.1); short protein forms E495G, E524G, E527G, E538G.
Identifiers: ClinVar variation 2415383 (VCV002415383.4), dbSNP rs1568472109, ClinGen allele CA403162007.